The following is an entry in ClinVar:

ClinVar aggregate classification (germline): Uncertain significance. Review status: criteria provided, multiple submitters, no conflicts (2 of 4 stars). 3 submissions from 3 submitters: Uncertain significance (3). Last evaluated 2023-01-21.

Conditions:
Charcot-Marie-Tooth disease axonal type 2T. Identifiers: Orphanet 443950, MedGen C4015635, OMIM 617017, MONDO:0014866.

Allele frequency attached by ClinVar (database versions not stated): ExAC 0.00002; gnomAD 0.00003; TOPMed 0.00003.
gnomAD v4.1: 65 of 1,612,568 alleles (0.004%); highest among the groups gnomAD compares: Non-Finnish European, 0.0047%; no homozygotes.

Submissions (3):

Labcorp Genetics (formerly Invitae), Labcorp
Classification: Uncertain significance. Last evaluated: 2023-01-21. Review status: criteria provided, single submitter. Criteria: Invitae Variant Classification Sherloc (09022015). Collection method: clinical testing. Allele origin: germline.
Comment: Advanced modeling of protein sequence and biophysical properties (such as structural, functional, and spatial information, amino acid conservation, physicochemical variation, residue mobility, and thermodynamic stability) performed at Invitae indicates that this missense variant is not expected to disrupt MME protein function. This missense change has been observed in individual(s) with clinical features of Charcot-Marie-Tooth disease (PMID: 30415211). This variant is present in population databases (rs201238171, gnomAD 0.005%). This sequence change replaces arginine, which is basic and polar, with histidine, which is basic and polar, at codon 410 of the MME protein (p.Arg410His). In summary, the available evidence is currently insufficient to determine the role of this variant in disease. Therefore, it has been classified as a Variant of Uncertain Significance.

Blueprint Genetics
Classification: Uncertain significance. Last evaluated: 2021-02-09. Review status: criteria provided, single submitter. Criteria: ACMG Guidelines, 2015. Collection method: clinical testing. Allele origin: germline.

Neuberg Centre For Genomic Medicine, NCGM
Classification: Uncertain significance for Charcot-Marie-Tooth disease axonal type 2T. Review status: criteria provided, single submitter. Criteria: ACMG Guidelines, 2015. Collection method: clinical testing. Allele origin: germline. Inheritance: Autosomal dominant inheritance. Affected: yes.
Comment: The missense variant c.1229G>Ap.Arg410His in MME gene has not been reported previously as a pathogenic variant nor as a benign variant, to our knowledge. The p.Arg410His variant is novel not in any individuals in 1000 Genomes and has allele frequency of 0.001% in gnomAD exomes database. This variant has not been reported to the ClinVar database. The amino acid change p.Arg410His in MME is predicted as conserved by GERP++ and PhyloP across 100 vertebrates. The amino acid Arg at position 410 is changed to a His changing protein sequence and it might alter its composition and physico-chemical properties. For these reasons, this variant has been classified as Uncertain Significance VUS.

Literature cited by the submitters: PubMed 30415211 (cited by Labcorp Genetics (formerly Invitae), Labcorp).

NM_007289.4(MME):c.1229G>A (p.Arg410His)

Gene: MME (membrane metalloendopeptidase; plus strand). Cytogenetic location: 3q25.2.
Variant type: single nucleotide variant.
Coding change: c.1229G>A on transcript NM_007289.4 (MANE Select); coding-DNA position 1229, G replaced by A.
Protein change: p.Arg410His; replaces arginine 410 with histidine.
Molecular consequence: missense variant.
Genome position (GRCh38, 1-based): chr3:155,143,483, G>A. VCF-style: chr3-155143483-G-A. GRCh37 (hg19) VCF-style: chr3-154861272-G-A.
Other names: c.1229G>A, p.Arg410His (NM_000902.5, NM_001354642.2, NM_001354643.1 and 2 more transcripts); short protein forms R410H.
Identifiers: ClinVar variation 3019338 (VCV003019338.3), dbSNP rs201238171, ClinGen allele CA2675432.